The following is an entry in ClinVar:

NM_004928.3(CFAP410):c.621del (p.Ser208fs)

Gene: CFAP410 (cilia and flagella associated protein 410; minus strand). Cytogenetic location: 21q22.3.
Variant type: Deletion.
Coding change: c.621del on transcript NM_004928.3 (MANE Select); coding-DNA position 621, one base deleted (C; older notation c.621delC).
Protein change: p.Ser208fs; shifts the reading frame from serine 208.
Molecular consequence: frameshift variant.
Genome position (GRCh38, 1-based): chr21:44,330,844, G deleted on the plus strand (C on the coding strand, the reverse complement: CFAP410 is on the minus strand); the first of 2 consecutive G bases (chr21:44,330,844-44,330,845); deleting either gives the same sequence. VCF-style (leftmost placement, unchanged base first): chr21-44330843-AG-A. GRCh37 (hg19) VCF-style: chr21-45750726-AG-A.
Other names: c.618del, p.Ser207fs (NM_001271440.2, NM_001271441.2); c.495del, p.Ser166fs (NM_001271442.1); short protein forms S166fs, S207fs, S208fs.
Identifiers: ClinVar variation 3359658 (VCV003359658.1).
Genomic context (GRCh38, chr21:44,330,843, plus strand): 5'-GGGCAGAGGCAGCCGCGGCCCCTAGCGGCCCGCCACTCACCCTGCCCCTGTGGCTGCTCG[AG>A]GCATCCCTGGCTGAGAGGGAAGGAAACTGGCCCCGGGAAGGCGGCTTCAGGCCACGTTCA-3'

ClinVar aggregate classification (germline): Uncertain significance (1 of 4 stars; one submission).

Submission:

GeneDx
Classification: Uncertain significance. Last evaluated: 2023-06-06. Review status: criteria provided, single submitter. Criteria: GeneDx Variant Classification Process June 2021. Collection method: clinical testing. Allele origin: germline. Affected: yes.
Comment: Not observed at significant frequency in large population cohorts (gnomAD); Frameshift variant predicted to result in protein truncation, as the last 49 amino acids are replaced with 9 different amino acids, and one loss-of-function variant has been reported downstream in HGMD; Has not been previously published as pathogenic or benign to our knowledge